The following is an entry in ClinVar:

ClinVar aggregate classification (germline): Uncertain significance (1 of 4 stars; one submission).

Submission:

GeneDx
Classification: Uncertain significance. Last evaluated: 2025-02-12. Review status: criteria provided, single submitter. Criteria: GeneDx Variant Classification Process June 2021. Collection method: clinical testing. Allele origin: germline. Affected: yes.
Comment: Not observed at significant frequency in large population cohorts (gnomAD); In silico analysis supports that this missense variant has a deleterious effect on protein structure/function; Has not been previously published as pathogenic or benign to our knowledge; This variant is associated with the following publications: (PMID: 25240749)

NM_001854.4(COL11A1):c.4502G>T (p.Gly1501Val)

Gene: COL11A1 (collagen type XI alpha 1 chain; minus strand). Cytogenetic location: 1p21.1.
Variant type: single nucleotide variant.
Coding change: c.4502G>T on transcript NM_001854.4 (MANE Select); coding-DNA position 4502, G replaced by T.
Protein change: p.Gly1501Val; replaces glycine 1501 with valine.
Molecular consequence: missense variant. On other transcripts: non-coding transcript variant (1).
Genome position (GRCh38, 1-based): chr1:102,888,882, C>A on the plus strand (G>T on the coding strand, the complement: COL11A1 is on the minus strand). VCF-style: chr1-102888882-C-A. GRCh37 (hg19) VCF-style: chr1-103354438-C-A.
Other names: c.4385G>T, p.Gly1462Val (NM_001190709.2); c.4538G>T, p.Gly1513Val (NM_080629.3); c.4154G>T, p.Gly1385Val (NM_080630.4); short protein forms G1385V, G1462V, G1501V, G1513V.
Identifiers: ClinVar variation 4075565 (VCV004075565.1).